The following is an entry in ClinVar:

ClinVar aggregate classification (germline): Benign/Likely benign. Review status: criteria provided, multiple submitters, no conflicts (2 of 4 stars). 8 submissions from 8 submitters: Benign (2); Likely benign (2). 4 of the submissions do not count toward it. Last evaluated 2026-01-26.

Conditions:
PDHB-related disorder. Also called: PDHB-related condition.
Pyruvate dehydrogenase E1-beta deficiency (PDHBD). Identifiers: Orphanet 255138, Orphanet 765, MedGen C3279841, MONDO:0013580, OMIM 614111.

Allele frequency attached by ClinVar (database versions not stated): 1000 Genomes Project 30x 0.00016; 1000 Genomes Project 0.00020; TOPMed 0.00123; gnomAD 0.00125 and 0.00130; gnomAD exomes 0.00139 and 0.00193; ESP Exome Variant Server 0.00146; ExAC 0.00160.
gnomAD v4.1: 2,941 of 1,612,166 alleles (0.18%); highest among the groups gnomAD compares: Non-Finnish European, 0.24%; 3 homozygotes.

Submissions (8):

Labcorp Genetics (formerly Invitae), Labcorp
Classification: Benign for Pyruvate dehydrogenase E1-beta deficiency. Last evaluated: 2026-01-26. Review status: criteria provided, single submitter. Criteria: Invitae Variant Classification Sherloc (09022015). Collection method: clinical testing. Allele origin: germline.

Blueprint Genetics
Classification: Likely benign. Last evaluated: 2024-11-22. Review status: criteria provided, single submitter. Criteria: ACMG Guidelines, 2015. Collection method: clinical testing. Allele origin: germline.

Illumina Laboratory Services, Illumina
Classification: Likely benign for Pyruvate dehydrogenase E1-beta deficiency. Last evaluated: 2018-01-12. Review status: criteria provided, single submitter. Criteria: ICSL Variant Classification Criteria 13 December 2019. Collection method: clinical testing. Allele origin: germline.
Comment: This variant was observed in the ICSL laboratory as part of a predisposition screen in an ostensibly healthy population. It had not been previously curated by ICSL or reported in the Human Gene Mutation Database (HGMD: prior to June 1st, 2018), and was therefore a candidate for classification through an automated scoring system. Utilizing variant allele frequency, disease prevalence and penetrance estimates, and inheritance mode, an automated score was calculated to assess if this variant is too frequent to cause the disease. Based on the score and internal cut-off values, a variant classified as likely benign is not then subjected to further curation. The score for this variant resulted in a classification of likely benign for this disease.

GeneDx
Classification: Benign. Last evaluated: 2013-04-09. Review status: criteria provided, single submitter. Criteria: GeneDx Variant Classification (06012015). Collection method: clinical testing. Allele origin: germline. Affected: yes.
Comment: This variant is considered likely benign or benign based on one or more of the following criteria: it is a conservative change, it occurs at a poorly conserved position in the protein, it is predicted to be benign by multiple in silico algorithms, and/or has population frequency not consistent with disease.

PreventionGenetics, part of Exact Sciences
Classification: Likely benign for PDHB-related condition. Last evaluated: 2020-04-29. Review status: no assertion criteria provided. Collection method: clinical testing. Allele origin: germline. Not counted in ClinVar's aggregate classification.
Comment: This variant is classified as likely benign based on ACMG/AMP sequence variant interpretation guidelines (Richards et al. 2015 PMID: 25741868, with internal and published modifications).

Mayo Clinic Laboratories, Mayo Clinic
Classification: Likely benign. Last evaluated: 2016-02-25. Review status: no assertion criteria provided. Collection method: clinical testing. Allele origin: unknown. Not counted in ClinVar's aggregate classification.

Clinical Genetics DNA and cytogenetics Diagnostics Lab, Erasmus MC, Erasmus Medical Center
Classification: Likely benign. Review status: no assertion criteria provided. Collection method: clinical testing. Allele origin: germline. Affected: yes. Study: VKGL Data-share Consensus. Not counted in ClinVar's aggregate classification.

Diagnostic Laboratory, Department of Genetics, University Medical Center Groningen
Classification: Likely benign. Review status: no assertion criteria provided. Collection method: clinical testing. Allele origin: germline. Affected: yes. Study: VKGL Data-share Consensus. Not counted in ClinVar's aggregate classification.

NM_000925.4(PDHB):c.198A>G (p.Ala66=)

Gene: PDHB (pyruvate dehydrogenase E1 subunit beta; minus strand). Cytogenetic location: 3p14.3.
Variant type: single nucleotide variant.
Coding change: c.198A>G on transcript NM_000925.4 (MANE Select); coding-DNA position 198, A replaced by G.
Protein change: p.Ala66=; no amino-acid change (alanine 66 retained).
Molecular consequence: synonymous variant. On other transcripts: non-coding transcript variant (1).
Genome position (GRCh38, 1-based): chr3:58,431,883, T>C on the plus strand (A>G on the coding strand, the complement: PDHB is on the minus strand). VCF-style: chr3-58431883-T-C. GRCh37 (hg19) VCF-style: chr3-58417610-T-C.
Other names: p.A66A:GCA>GCG; c.198A>G, p.Ala66= (NM_001173468.2); c.144A>G, p.Ala48= (NM_001315536.2).
Identifiers: ClinVar variation 138649 (VCV000138649.22), dbSNP rs138621975, ClinGen allele CA292725.
Genomic context (GRCh38, chr3:58,431,883, plus strand): 5'-ATCTGGGGGTAACAGTGACCTCAATTTTGTATAACTTTCATATATTTTAGTTACCTTGTA[T>C]GCCCCATCATACTGGGCAACTTCTTCTCCAAGCAGAAATACCTTCTCATCTCTTTCCAGC-3'
Protein context (NP_000916.2, residues 56-76): LGEEVAQYDG[Ala66=]YKVSRGLWKK